The following is an entry in ClinVar:

ClinVar aggregate classification (germline): Conflicting classifications of pathogenicity. Review status: criteria provided, conflicting classifications (1 of 4 stars). 20 submissions from 17 submitters: Uncertain significance (2); Benign (5); Likely benign (8). 5 of the submissions do not count toward it. Last evaluated 2026-02-03.

Conditions:
Cardiac arrhythmia. Also called: Arrhythmia; Cardiac rhythm disease. Identifiers: MedGen C0003811, MONDO:0007263, HP:0011675.
Cardiovascular phenotype. Identifiers: MedGen CN230736.
KCNQ1-related disorder. Also called: KCNQ1-related disorders; KCNQ1-related condition. Identifiers: MedGen CN239322.
Long QT syndrome (LQTS). Identifiers: MedGen C0023976, MeSH D008133, MONDO:0002442. Disease mechanism: loss of function. Inheritance: Various modes of inheritance.
Long QT syndrome 1 (LQT1). Identifiers: Orphanet 101016, Orphanet 768, MedGen C4551647, MONDO:0100316, OMIM 192500, MONDO:0008646.
Atrial fibrillation, familial, 3 (ATFB3). Identifiers: MedGen C1837014, MONDO:0011857, OMIM 607554.
Short QT syndrome type 2. Identifiers: Orphanet 51083, MedGen C1865019, MONDO:0012313, OMIM 609621.
Jervell and Lange-Nielsen syndrome 1 (JLNS1). Also called: PROLONGED QT INTERVAL IN EKG AND SUDDEN DEATH; SURDO-CARDIAC SYNDROME; CARDIOAUDITORY SYNDROME OF JERVELL AND LANGE-NIELSEN; DEAFNESS, CONGENITAL, AND FUNCTIONAL HEART DISEASE. Identifiers: Orphanet 768, Orphanet 90647, MedGen C4551509, MONDO:0024540, OMIM 220400.

Allele frequency attached by ClinVar (database versions not stated): 1000 Genomes Project 30x 0.00031; 1000 Genomes Project 0.00040; ExAC 0.00102; gnomAD exomes 0.00103 and 0.00230; TOPMed 0.00120; gnomAD 0.00130 and 0.00134; ESP Exome Variant Server 0.00185.
gnomAD v4.1: 3,486 of 1,613,432 alleles (0.22%); highest among the groups gnomAD compares: Non-Finnish European, 0.28%; 3 homozygotes.

Submissions (20):

Labcorp Genetics (formerly Invitae), Labcorp
Classification: Benign for Long QT syndrome. Last evaluated: 2026-02-03. Review status: criteria provided, single submitter. Criteria: Invitae Variant Classification Sherloc (09022015). Collection method: clinical testing. Allele origin: germline.

CeGaT Center for Human Genetics Tuebingen
Classification: Likely benign. Last evaluated: 2025-07-01. Review status: criteria provided, single submitter. Criteria: CeGaT Center For Human Genetics Tuebingen Variant Classification Criteria Version 2. Collection method: clinical testing. Allele origin: germline. Affected: yes. Observed: 2 variant alleles.
Comment: KCNQ1: BP4, BP7

Molecular Diagnostic Laboratory for Inherited Cardiovascular Disease, Montreal Heart Institute
Classification: Benign. Last evaluated: 2025-04-09. Review status: criteria provided, single submitter. Criteria: ACMG Guidelines, 2015. Collection method: clinical testing. Allele origin: germline. Affected: no.

Blueprint Genetics
Classification: Benign. Last evaluated: 2024-10-22. Review status: criteria provided, single submitter. Criteria: ACMG Guidelines, 2015. Collection method: clinical testing. Allele origin: germline.

Mayo Clinic Laboratories, Mayo Clinic
Classification: Likely benign. Last evaluated: 2024-02-22. Review status: criteria provided, single submitter. Criteria: ACMG Guidelines, 2015. Collection method: clinical testing. Allele origin: germline. Observed: 4 variant alleles.
Comment: BS1, BP4, BP7

ARUP Laboratories, Molecular Genetics and Genomics, ARUP Laboratories
Classification: Likely benign. Last evaluated: 2023-10-02. Review status: criteria provided, single submitter. Criteria: ARUP Molecular Germline Variant Investigation Process 2024. Collection method: clinical testing. Allele origin: germline.

Color Diagnostics, LLC DBA Color Health
Classification: Likely benign for Arrhythmia. Last evaluated: 2018-03-08. Review status: criteria provided, single submitter. Criteria: ACMG Guidelines, 2015. Collection method: clinical testing. Allele origin: germline.

Illumina Laboratory Services, Illumina
Classification: Benign for Short QT syndrome type 2. Last evaluated: 2018-01-12. Review status: criteria provided, single submitter. Criteria: ICSL Variant Classification Criteria 13 December 2019. Collection method: clinical testing. Allele origin: germline.
Comment: This variant was observed as part of a predisposition screen in an ostensibly healthy population. A literature search was performed for the gene, cDNA change, and amino acid change (where applicable). No publications were found based on this search. Allele frequency data from public databases was too high to be consistent with this variant causing disease. Therefore, this variant is classified as benign.

Illumina Laboratory Services, Illumina
Classification: Likely benign for Long QT syndrome 1. Last evaluated: 2018-01-12. Review status: criteria provided, single submitter. Criteria: ICSL Variant Classification Criteria 13 December 2019. Collection method: clinical testing. Allele origin: germline.
Comment: This variant was observed as part of a predisposition screen in an ostensibly healthy population. A literature search was performed for the gene, cDNA change, and amino acid change (where applicable). No publications were found based on this search. Allele frequency data from public databases allowed determination this variant is unlikely to cause disease. Therefore, this variant is classified as likely benign.

Illumina Laboratory Services, Illumina
Classification: Uncertain significance for Atrial fibrillation, familial, 3. Last evaluated: 2018-01-12. Review status: criteria provided, single submitter. Criteria: ICSL Variant Classification Criteria 13 December 2019. Collection method: clinical testing. Allele origin: germline.

Illumina Laboratory Services, Illumina
Classification: Uncertain significance for Jervell and Lange-Nielsen syndrome 1. Last evaluated: 2018-01-12. Review status: criteria provided, single submitter. Criteria: ICSL Variant Classification Criteria 13 December 2019. Collection method: clinical testing. Allele origin: germline.

Ambry Genetics
Classification: Likely benign for Cardiovascular phenotype. Last evaluated: 2015-10-21. Review status: criteria provided, single submitter. Criteria: Ambry Variant Classification Scheme 2023. Collection method: clinical testing. Allele origin: germline.

GeneDx
Classification: Benign. Last evaluated: 2015-04-17. Review status: criteria provided, single submitter. Criteria: GeneDx Variant Classification (06012015). Collection method: clinical testing. Allele origin: germline. Affected: yes.
Comment: This variant is considered likely benign or benign based on one or more of the following criteria: it is a conservative change, it occurs at a poorly conserved position in the protein, it is predicted to be benign by multiple in silico algorithms, and/or has population frequency not consistent with disease.

Biesecker Lab/Clinical Genomics Section, National Institutes of Health
Classification: Likely benign. Last evaluated: 2013-06-24. Review status: criteria provided, single submitter. Criteria: Ng et al. (Circ Cardiovasc Genet. 2013). Collection method: research. Allele origin: unknown. Observed: 2 variant alleles. Study: ClinSeq.
Comment: The study set was not selected for affection status in relation to any cancer. Pathogenicity categories were based on literature curation. See Pubmed ID:23861362 for details.

Medical sequencing

Laboratory for Molecular Medicine, Mass General Brigham Personalized Medicine
Classification: Likely benign. Last evaluated: 2012-04-30. Review status: criteria provided, single submitter. Criteria: LMM Criteria. Collection method: clinical testing. Allele origin: germline. Observed: 1 variant allele.
Comment: p.Thr153Thr in Exon 02 of KCNQ1: This variant is not expected to have clinical s ignificance because it does not alter an amino acid residue, is not located with in the splice consensus sequence, and has been identified in 0.3% (18/7020) of E uropean American chromosomes from a broad population by the NHLBI Exome Sequenci ng Project (dbSNP rs148121889).

PreventionGenetics, part of Exact Sciences
Classification: Likely benign for KCNQ1-related condition. Last evaluated: 2021-05-26. Review status: no assertion criteria provided. Collection method: clinical testing. Allele origin: germline. Not counted in ClinVar's aggregate classification.
Comment: This variant is classified as likely benign based on ACMG/AMP sequence variant interpretation guidelines (Richards et al. 2015 PMID: 25741868, with internal and published modifications).

Clinical Genetics DNA and cytogenetics Diagnostics Lab, Erasmus MC, Erasmus Medical Center
Classification: Likely benign. Review status: no assertion criteria provided. Collection method: clinical testing. Allele origin: germline. Affected: yes. Study: VKGL Data-share Consensus. Not counted in ClinVar's aggregate classification.

Clinical Genetics, Academic Medical Center
Classification: Benign. Review status: no assertion criteria provided. Collection method: clinical testing. Allele origin: germline. Affected: yes. Study: VKGL Data-share Consensus. Not counted in ClinVar's aggregate classification.

Genome Diagnostics Laboratory, University Medical Center Utrecht
Classification: Benign. Review status: no assertion criteria provided. Collection method: clinical testing. Allele origin: germline. Affected: yes. Study: VKGL Data-share Consensus. Not counted in ClinVar's aggregate classification.

Joint Genome Diagnostic Labs from Nijmegen and Maastricht, Radboudumc and MUMC+
Classification: Benign. Review status: no assertion criteria provided. Collection method: clinical testing. Allele origin: germline. Affected: yes. Study: VKGL Data-share Consensus. Not counted in ClinVar's aggregate classification.

Literature cited by the submitters: PubMed 16132053 (cited by Mayo Clinic Laboratories, Mayo Clinic); PubMed 20851114 (cited by Mayo Clinic Laboratories, Mayo Clinic); PubMed 23861362 (cited by Mayo Clinic Laboratories, Mayo Clinic).

NM_000218.3(KCNQ1):c.459G>A (p.Thr153=)

Gene: KCNQ1 (potassium voltage-gated channel subfamily Q member 1; plus strand). Cytogenetic location: 11p15.5.
Variant type: single nucleotide variant.
Coding change: c.459G>A on transcript NM_000218.3 (MANE Select); coding-DNA position 459, G replaced by A.
Protein change: p.Thr153=; no amino-acid change (threonine 153 retained).
Molecular consequence: synonymous variant.
Genome position (GRCh38, 1-based): chr11:2,528,000, G>A. VCF-style: chr11-2528000-G-A. GRCh37 (hg19) VCF-style: chr11-2549230-G-A.
Other names: p.T153T:ACG>ACA; p.Thr153=; c.459G>A, p.Thr153= (NM_001406836.1, NM_001406838.1); c.189G>A, p.Thr63= (NM_001406837.1); c.78G>A, p.Thr26= (NM_181798.2).
Identifiers: ClinVar variation 138012 (VCV000138012.76), dbSNP rs148121889, ClinGen allele CA007153.